The following is an entry in ClinVar:

NM_000260.4(MYO7A):c.5743-12T>C

Gene: MYO7A (myosin VIIA; plus strand). Cytogenetic location: 11q13.5.
Variant type: single nucleotide variant.
Coding change: c.5743-12T>C on transcript NM_000260.4 (MANE Select); 12 bases into the intron before coding-DNA position 5743, T replaced by C.
Molecular consequence: intron variant.
Genome position (GRCh38, 1-based): chr11:77,207,277, T>C. VCF-style: chr11-77207277-T-C. GRCh37 (hg19) VCF-style: chr11-76918322-T-C.
Other names: c.5596-12T>C (NM_001369365.1); c.5629-12T>C (NM_001127180.2).
Identifiers: ClinVar variation 43297 (VCV000043297.26), dbSNP rs2276291, ClinGen allele CA132399.

ClinVar aggregate classification (germline): Benign. Review status: criteria provided, multiple submitters, no conflicts (2 of 4 stars). 12 submissions from 8 submitters: Benign (12). Last evaluated 2026-02-04.

Conditions:
Autosomal dominant nonsyndromic hearing loss 11. Identifiers: Orphanet 90635, MedGen C1832475, MONDO:0011032, OMIM 601317.
Autosomal recessive nonsyndromic hearing loss 2. Also called: DEAFNESS, AUTOSOMAL RECESSIVE 2; NEUROSENSORY NONSYNDROMIC RECESSIVE DEAFNESS 2. Identifiers: Orphanet 90636, MedGen C1838701, MONDO:0010807, OMIM 600060.
Usher syndrome type 1 (USH1). Also called: RETINITIS PIGMENTOSA AND CONGENITAL DEAFNESS. Identifiers: Orphanet 231169, Orphanet 886, MedGen C1568247, MONDO:0010168, OMIM 276900.

Allele frequency attached by ClinVar (database versions not stated): gnomAD exomes 0.57748 and 0.58919; 1000 Genomes Project 0.59345; 1000 Genomes Project 30x 0.60025; gnomAD 0.62749 and 0.63742; ESP Exome Variant Server 0.63295; ExAC 0.63298; TOPMed 0.63359.
gnomAD v4.1: 926,944 of 1,592,366 alleles (58%); highest among the groups gnomAD compares: African/African-American, 73%; 273,228 homozygotes.

Submissions (12):

Labcorp Genetics (formerly Invitae), Labcorp
Classification: Benign. Last evaluated: 2026-02-04. Review status: criteria provided, single submitter. Criteria: Invitae Variant Classification Sherloc (09022015). Collection method: clinical testing. Allele origin: germline.

Women's Health and Genetics/Laboratory Corporation of America, LabCorp
Classification: Benign. Last evaluated: 2025-05-22. Review status: criteria provided, single submitter. Criteria: LabCorp Variant Classification Summary - May 2015. Collection method: clinical testing. Allele origin: germline.

Genome-Nilou Lab
Classification: Benign for Autosomal dominant nonsyndromic hearing loss 11. Last evaluated: 2021-07-01. Review status: criteria provided, single submitter. Criteria: ACMG Guidelines, 2015. Collection method: clinical testing. Allele origin: germline. Affected: no.

Genome-Nilou Lab
Classification: Benign for Autosomal recessive nonsyndromic hearing loss 2. Last evaluated: 2021-07-01. Review status: criteria provided, single submitter. Criteria: ACMG Guidelines, 2015. Collection method: clinical testing. Allele origin: germline. Affected: no.

Genome-Nilou Lab
Classification: Benign for Usher syndrome type 1. Last evaluated: 2021-07-01. Review status: criteria provided, single submitter. Criteria: ACMG Guidelines, 2015. Collection method: clinical testing. Allele origin: germline. Affected: no.

Illumina Laboratory Services, Illumina
Classification: Benign for Usher syndrome type 1. Last evaluated: 2018-01-12. Review status: criteria provided, single submitter. Criteria: ICSL Variant Classification Criteria 13 December 2019. Collection method: clinical testing. Allele origin: germline.
Comment: This variant was observed in the ICSL laboratory as part of a predisposition screen in an ostensibly healthy population. It had not been previously curated by ICSL or reported in the Human Gene Mutation Database (HGMD: prior to June 1st, 2018), and was therefore a candidate for classification through an automated scoring system. Utilizing variant allele frequency, disease prevalence and penetrance estimates, and inheritance mode, an automated score was calculated to assess if this variant is too frequent to cause the disease. Based on the score and internal cut-off values, a variant classified as benign is not then subjected to further curation. The score for this variant resulted in a classification of benign for this disease.

Illumina Laboratory Services, Illumina
Classification: Benign for Autosomal dominant nonsyndromic hearing loss 11. Last evaluated: 2018-01-12. Review status: criteria provided, single submitter. Criteria: ICSL Variant Classification Criteria 13 December 2019. Collection method: clinical testing. Allele origin: germline.
Comment: the same text as in the submission from Illumina Laboratory Services, Illumina above.

Illumina Laboratory Services, Illumina
Classification: Benign for Autosomal recessive nonsyndromic hearing loss 2. Last evaluated: 2018-01-12. Review status: criteria provided, single submitter. Criteria: ICSL Variant Classification Criteria 13 December 2019. Collection method: clinical testing. Allele origin: germline.
Comment: the same text as in the submission from Illumina Laboratory Services, Illumina above.

GeneDx
Classification: Benign. Last evaluated: 2015-03-03. Review status: criteria provided, single submitter. Criteria: GeneDx Variant Classification Process June 2021. Collection method: clinical testing. Allele origin: germline. Affected: yes.

Laboratory for Molecular Medicine, Mass General Brigham Personalized Medicine
Classification: Benign. Last evaluated: 2009-06-23. Review status: criteria provided, single submitter. Criteria: LMM Criteria. Collection method: clinical testing. Allele origin: germline. Observed: 1,576 variant alleles.

Breakthrough Genomics
Classification: Benign. Review status: criteria provided, single submitter. Criteria: ACMG Guidelines, 2015. Collection method: not provided. Allele origin: germline. Inheritance: Autosomal recessive inheritance. Affected: yes.

PreventionGenetics, part of Exact Sciences
Classification: Benign. Review status: criteria provided, single submitter. Criteria: ACMG Guidelines, 2015. Collection method: clinical testing. Allele origin: germline.